The following is an entry in ClinVar:

NM_006735.4(HOXA2):c.678C>G (p.Asp226Glu)

Gene: HOXA2 (homeobox A2; minus strand). Cytogenetic location: 7p15.2.
Variant type: single nucleotide variant.
Coding change: c.678C>G on transcript NM_006735.4 (MANE Select); coding-DNA position 678, C replaced by G.
Protein change: p.Asp226Glu; replaces aspartic acid 226 with glutamic acid.
Molecular consequence: missense variant.
Genome position (GRCh38, 1-based): chr7:27,101,179, G>C on the plus strand (C>G on the coding strand, the complement: HOXA2 is on the minus strand). VCF-style: chr7-27101179-G-C. GRCh37 (hg19) VCF-style: chr7-27140798-G-C.
Other names: short protein forms D226E.
Identifiers: ClinVar variation 3106563 (VCV003106563.2), dbSNP rs201289702, ClinGen allele CA4196161.

ClinVar aggregate classification (germline): Uncertain significance. Review status: criteria provided, multiple submitters, no conflicts (2 of 4 stars). 2 submissions from 2 submitters: Uncertain significance (2). Last evaluated 2026-09-21.

Conditions:
HOXA2-related disorder. Also called: HOXA2-related condition.
Inborn genetic diseases. Identifiers: MedGen C0950123, MeSH D030342.

Allele frequency attached by ClinVar (database versions not stated): gnomAD 0.00009; TOPMed 0.00013; ExAC 0.00014; ESP Exome Variant Server 0.00015; gnomAD exomes 0.00020.

Submissions (2):

PreventionGenetics, part of Exact Sciences
Classification: Uncertain significance for HOXA2-related condition. Last evaluated: 2026-09-21. Review status: criteria provided, single submitter. Criteria: ACMG Guidelines, 2015. Collection method: clinical testing. Allele origin: germline.
Comment: The HOXA2 c.678C>G variant is predicted to result in the amino acid substitution p.Asp226Glu. To our knowledge, this variant has not been reported in the literature. This variant is reported in 0.029% of alleles in individuals of European (Non-Finnish) descent in gnomAD. At this time, the clinical significance of this variant is uncertain due to the absence of conclusive functional and genetic evidence.

Ambry Genetics
Classification: Uncertain significance for Inborn genetic diseases. Last evaluated: 2023-10-16. Review status: criteria provided, single submitter. Criteria: Ambry Variant Classification Scheme 2023. Collection method: clinical testing. Allele origin: germline.